The following is an entry in ClinVar:

ClinVar aggregate classification (germline): Uncertain significance (1 of 4 stars; one submission).

Conditions:
Focal segmental glomerulosclerosis 7 (FSGS7). Identifiers: Orphanet 656, MedGen C4014925, MONDO:0014451, OMIM 616002.
Renal coloboma syndrome (PAPRS). Also called: COLOBOMA OF OPTIC NERVE WITH RENAL DISEASE; OPTIC COLOBOMA, VESICOURETERAL REFLUX, AND RENAL ANOMALIES; OPTIC NERVE COLOBOMA WITH RENAL DISEASE; RENAL-COLOBOMA SYNDROME WITH MACULAR ABNORMALITIES; PAPILLORENAL SYNDROME WITH MILD OCULAR ABNORMALITIES; CONGENITAL ANOMALIES OF THE KIDNEY AND URINARY TRACT WITH OR WITHOUT OCULAR ABNORMALITIES. Identifiers: Orphanet 1475, MedGen C1852759, MONDO:0007352, OMIM 120330.

Allele frequency attached by ClinVar (database versions not stated): gnomAD 0.00001.
gnomAD v4.1: 2 of 1,613,864 alleles (0.00012%); highest among the groups gnomAD compares: Non-Finnish European, 0.000085%; no homozygotes.

Submission:

Labcorp Genetics (formerly Invitae), Labcorp
Classification: Uncertain significance for Renal coloboma syndrome; Focal segmental glomerulosclerosis 7. Last evaluated: 2022-08-24. Review status: criteria provided, single submitter. Criteria: Invitae Variant Classification Sherloc (09022015). Collection method: clinical testing. Allele origin: germline.
Comment: ClinVar contains an entry for this variant (Variation ID: 1378270). This variant has not been reported in the literature in individuals affected with PAX2-related conditions. This variant is not present in population databases (gnomAD no frequency). This sequence change replaces histidine, which is basic and polar, with asparagine, which is neutral and polar, at codon 259 of the PAX2 protein (p.His259Asn). Experimental studies and prediction algorithms are not available or were not evaluated, and the functional significance of this variant is currently unknown. In summary, the available evidence is currently insufficient to determine the role of this variant in disease. Therefore, it has been classified as a Variant of Uncertain Significance.

NM_000278.5(PAX2):c.775C>A (p.His259Asn)

Gene: PAX2 (paired box 2; plus strand). Cytogenetic location: 10q24.31.
Variant type: single nucleotide variant.
Coding change: c.775C>A on transcript NM_000278.5 (MANE Select); coding-DNA position 775, C replaced by A.
Protein change: p.His259Asn; replaces histidine 259 with asparagine.
Molecular consequence: missense variant.
Genome position (GRCh38, 1-based): chr10:100,806,588, C>A. VCF-style: chr10-100806588-C-A. GRCh37 (hg19) VCF-style: chr10-102566345-C-A.
Other names: c.868C>A, p.His290Asn (NM_001304569.2); c.844C>A, p.His282Asn (NM_003987.5, NM_003990.5); c.775C>A, p.His259Asn (NM_003988.5, NM_003989.5); short protein forms H259N, H282N, H290N.
Identifiers: ClinVar variation 1378270 (VCV001378270.6), dbSNP rs896457846, ClinGen allele CA213069714.